The following is an entry in ClinVar:

NM_145698.5(ACBD5):c.343G>A (p.Ala115Thr)

Gene: ACBD5 (acyl-CoA binding domain containing 5; minus strand). Cytogenetic location: 10p12.1.
Variant type: single nucleotide variant.
Coding change: c.343G>A on transcript NM_145698.5 (MANE Select); coding-DNA position 343, G replaced by A.
Protein change: p.Ala115Thr; replaces alanine 115 with threonine.
Molecular consequence: missense variant.
Genome position (GRCh38, 1-based): chr10:27,231,780, C>T on the plus strand (G>A on the coding strand, the complement: ACBD5 is on the minus strand). VCF-style: chr10-27231780-C-T. GRCh37 (hg19) VCF-style: chr10-27520709-C-T.
Other names: c.238G>A, p.Ala80Thr (NM_001042473.4, NM_001352574.2, NM_001352575.2 and 6 more transcripts); c.337G>A, p.Ala113Thr (NM_001271512.3, NM_001352571.1, NM_001352586.1 and 1 more transcripts); c.16G>A, p.Ala6Thr (NM_001301251.2, NM_001301252.2, NM_001301253.2 and 4 more transcripts); c.364G>A, p.Ala122Thr (NM_001352568.1, NM_001352572.1); c.343G>A, p.Ala115Thr (NM_001352569.1, NM_001352570.1, NM_001352573.1 and 2 more transcripts); short protein forms A113T, A115T, A122T, A6T, A80T.
Identifiers: ClinVar variation 1057675 (VCV001057675.9), dbSNP rs1377626365, ClinGen allele CA376377504.

ClinVar aggregate classification (germline): Uncertain significance (1 of 4 stars; one submission).

Allele frequency attached by ClinVar (database versions not stated): gnomAD exomes below 0.00001; TOPMed below 0.00001.
gnomAD v4.1: 1 of 1,613,780 alleles (0.000062%); highest among the groups gnomAD compares: Admixed American, 0.0017%; no homozygotes.

Submission:

Labcorp Genetics (formerly Invitae), Labcorp
Classification: Uncertain significance. Last evaluated: 2020-08-20. Review status: criteria provided, single submitter. Criteria: Invitae Variant Classification Sherloc (09022015). Collection method: clinical testing. Allele origin: germline.
Comment: Algorithms developed to predict the effect of missense changes on protein structure and function are either unavailable or do not agree on the potential impact of this missense change (SIFT: "Deleterious"; PolyPhen-2: "Probably Damaging"; Align-GVGD: "Class C0"). This variant has been observed in individual(s) with clinical features of inherited retinal dystrophy (Invitae). This variant is not present in population databases (ExAC no frequency). This sequence change replaces alanine with threonine at codon 115 of the ACBD5 protein (p.Ala115Thr). The alanine residue is highly conserved and there is a small physicochemical difference between alanine and threonine. In summary, the available evidence is currently insufficient to determine the role of this variant in disease. Therefore, it has been classified as a Variant of Uncertain Significance.